The following is an entry in ClinVar:

ClinVar aggregate classification (germline): Uncertain significance (1 of 4 stars; one submission).

Conditions:
Inborn genetic diseases. Identifiers: MedGen C0950123, MeSH D030342.

gnomAD v4.1: 1 of 1,610,056 alleles (0.000062%); highest among the groups gnomAD compares: East Asian, 0.0022%; no homozygotes.

Submission:

Ambry Genetics
Classification: Uncertain significance for Inborn genetic diseases. Last evaluated: 2025-04-06. Review status: criteria provided, single submitter. Criteria: Ambry Variant Classification Scheme 2023. Collection method: clinical testing. Allele origin: germline.
Comment: The p.H195Y variant (also known as c.583C>T), located in coding exon 5 of the RECQL4 gene, results from a C to T substitution at nucleotide position 583. The histidine at codon 195 is replaced by tyrosine, an amino acid with similar properties. This amino acid position is conserved. In addition, this alteration is predicted to be tolerated by in silico analysis. Based on the available evidence, the clinical significance of this variant remains unclear.

NM_004260.4(RECQL4):c.583C>T (p.His195Tyr)

Gene: RECQL4 (RecQ like helicase 4; minus strand). Cytogenetic location: 8q24.3.
Variant type: single nucleotide variant.
Coding change: c.583C>T on transcript NM_004260.4 (MANE Select); coding-DNA position 583, C replaced by T.
Protein change: p.His195Tyr; replaces histidine 195 with tyrosine.
Molecular consequence: missense variant. On other transcripts: 5 prime UTR variant (15), non-coding transcript variant (3), intron variant (3).
Genome position (GRCh38, 1-based): chr8:144,516,536, G>A on the plus strand (C>T on the coding strand, the complement: RECQL4 is on the minus strand). VCF-style: chr8-144516536-G-A. GRCh37 (hg19) VCF-style: chr8-145741920-G-A.
Other names: c.583C>T, p.His195Tyr (NM_001413017.1, NM_001413018.1, NM_001413019.1 and 4 more transcripts); c.-489C>T (NM_001413022.1, NM_001413023.1, NM_001413024.1 and 5 more transcripts); c.454C>T, p.His152Tyr (NM_001413025.1); c.-551C>T (NM_001413027.1, NM_001413030.1, NM_001413031.1 and 2 more transcripts); c.-393C>T (NM_001413034.1); c.-758C>T (NM_001413043.1); c.355-123C>T (NM_001413029.1); c.-366-123C>T (NM_001413021.1, NM_001413028.1); short protein forms H195Y, H152Y.
Identifiers: ClinVar variation 3944271 (VCV003944271.1).
Genomic context (GRCh38, chr8:144,516,536, plus strand): 5'-CTGAGCCTAGATCAGGCCTGCAGGCTTTGGGGGCCCCCAGAAAATCTGGGACCTCACTGT[G>A]ACATCGCTGTAACCAGCCAGGATCTAGGGAGCCCAGCCGCTGGCTCAGGGATGCCTGCAG-3'
Protein context (NP_004251.4, residues 185-205): SLDPGWLQRC[His195Tyr]SEVPDFLGAP